The following is an entry in ClinVar:

ClinVar aggregate classification (germline): Uncertain significance (1 of 4 stars; one submission).

Allele frequency attached by ClinVar (database versions not stated): gnomAD exomes below 0.00001.
gnomAD v4.1: 3 of 1,613,938 alleles (0.00019%); highest among the groups gnomAD compares: Non-Finnish European, 0.00025%; no homozygotes.

Submission:

GeneDx
Classification: Uncertain significance. Last evaluated: 2025-08-05. Review status: criteria provided, single submitter. Criteria: GeneDx Variant Classification Process June 2021. Collection method: clinical testing. Allele origin: germline. Affected: yes.
Comment: Not observed at significant frequency in large population cohorts (gnomAD); In silico analysis supports that this missense variant has a deleterious effect on protein structure/function; Has not been previously published as pathogenic or benign to our knowledge

NM_003931.3(WASF1):c.290T>C (p.Met97Thr)

Gene: WASF1 (WASP family member 1; minus strand). Cytogenetic location: 6q21.
Variant type: single nucleotide variant.
Coding change: c.290T>C on transcript NM_003931.3 (MANE Select); coding-DNA position 290, T replaced by C.
Protein change: p.Met97Thr; replaces methionine 97 with threonine.
Molecular consequence: missense variant.
Genome position (GRCh38, 1-based): chr6:110,108,660, A>G on the plus strand (T>C on the coding strand, the complement: WASF1 is on the minus strand). VCF-style: chr6-110108660-A-G. GRCh37 (hg19) VCF-style: chr6-110429863-A-G.
Other names: c.290T>C, p.Met97Thr (NM_001024934.2, NM_001024935.2, NM_001024936.2); short protein forms M97T.
Identifiers: ClinVar variation 2504305 (VCV002504305.2), dbSNP rs2534229983, ClinGen allele CA365352198.
Genomic context (GRCh38, chr6:110,108,660, plus strand): 5'-AAAGTCTTGCGATCGAAAAGCTGCTGGTCTTGAATTGTAGAACTTCGGAAAGCTTTCCTC[A>G]TTGTTATATCTTGCAAAGACACTAAAACAAAAATCAAGAATTCATTTTATTTTATTTTAC-3'
Protein context (NP_003922.1, residues 87-107): EEELSLQDIT[Met97Thr]RKAFRSSTIQ